The following is an entry in ClinVar:

ClinVar aggregate classification (germline): Likely pathogenic (1 of 4 stars; one submission).

Conditions:
5-Oxoprolinase deficiency (OPLAHD). Also called: 5-OXOPROLINURIA DUE TO 5-OXOPROLINASE DEFICIENCY. Identifiers: Orphanet 33572, MedGen C0268525, MONDO:0009825, OMIM 260005, HP:0040142.

gnomAD v4.1: 3 of 1,606,608 alleles (0.00019%); highest among the groups gnomAD compares: Middle Eastern, 0.033%; no homozygotes.

Submission:

First Genomix Gene Laboratory, Genetic Diagnostics Department
Classification: Likely pathogenic for 5-Oxoprolinase deficiency. Last evaluated: 2025-05-23. Review status: criteria provided, single submitter. Criteria: ACMG Guidelines, 2015. Collection method: clinical testing. Allele origin: germline. Inheritance: Autosomal recessive inheritance. Affected: no. Observed: 1 variant allele.

NM_017570.5(OPLAH):c.2903T>A (p.Leu968Ter)

Gene: OPLAH (5-oxoprolinase, ATP-hydrolysing; minus strand). Cytogenetic location: 8q24.3.
Variant type: single nucleotide variant.
Coding change: c.2903T>A on transcript NM_017570.5 (MANE Select); coding-DNA position 2903, T replaced by A.
Protein change: p.Leu968Ter; replaces leucine 968 with a stop codon.
Molecular consequence: nonsense.
Genome position (GRCh38, 1-based): chr8:144,053,098, A>T on the plus strand (T>A on the coding strand, the complement: OPLAH is on the minus strand). VCF-style: chr8-144053098-A-T. GRCh37 (hg19) VCF-style: chr8-145108001-A-T.
Other names: short protein forms L968*.
Identifiers: ClinVar variation 4849431 (VCV004849431.1).